The following is an entry in ClinVar:

NM_016507.4(CDK12):c.3764G>A (p.Cys1255Tyr)

Gene: CDK12 (cyclin dependent kinase 12; plus strand). Cytogenetic location: 17q12.
Variant type: single nucleotide variant.
Coding change: c.3764G>A on transcript NM_016507.4 (MANE Select); coding-DNA position 3764, G replaced by A.
Protein change: p.Cys1255Tyr; replaces cysteine 1255 with tyrosine.
Molecular consequence: missense variant. On other transcripts: intron variant (1).
Genome position (GRCh38, 1-based): chr17:39,530,607, G>A. VCF-style: chr17-39530607-G-A. GRCh37 (hg19) VCF-style: chr17-37686860-G-A.
Other names: c.3761-24G>A (NM_015083.4); short protein forms C1255Y.
Identifiers: ClinVar variation 4224295 (VCV004224295.1).

ClinVar aggregate classification (germline): Uncertain significance (1 of 4 stars; one submission).

Submission:

Ambry Genetics
Classification: Uncertain significance. Last evaluated: 2025-07-17. Review status: criteria provided, single submitter. Criteria: Ambry Variant Classification Scheme 2023. Collection method: clinical testing. Allele origin: germline.
Comment: The p.C1255Y variant (also known as c.3764G>A), located in coding exon 14 of the CDK12 gene, results from a G to A substitution at nucleotide position 3764. The cysteine at codon 1255 is replaced by tyrosine, an amino acid with highly dissimilar properties. This amino acid position is conserved. In addition, the in silico prediction for this alteration is inconclusive. Based on the available evidence, the clinical significance of this variant remains unclear.